The following is an entry in ClinVar:

ClinVar aggregate classification (germline): Uncertain significance (1 of 4 stars; one submission).

Conditions:
Hereditary breast ovarian cancer syndrome. Also called: Hereditary breast and ovarian cancer syndrome; Hereditary breast and ovarian cancer syndrome (HBOC); BRCA1- and BRCA2-Associated Hereditary Breast and Ovarian Cancer; Hereditary breast and ovarian cancer; Breast and ovarian cancer; Hereditary breast and/or ovarian cancer syndrome. Identifiers: Orphanet 145, MedGen C0677776, MeSH D061325, MONDO:0003582. Disease mechanism: loss of function.

Submission:

Labcorp Genetics (formerly Invitae), Labcorp
Classification: Uncertain significance for Hereditary breast ovarian cancer syndrome. Last evaluated: 2024-12-04. Review status: criteria provided, single submitter. Criteria: Invitae Variant Classification Sherloc (09022015). Collection method: clinical testing. Allele origin: germline.
Comment: This sequence change replaces glycine, which is neutral and non-polar, with valine, which is neutral and non-polar, at codon 2760 of the BRCA2 protein (p.Gly2760Val). This variant is not present in population databases (gnomAD no frequency). This variant has not been reported in the literature in individuals affected with BRCA2-related conditions. Invitae Evidence Modeling of protein sequence and biophysical properties (such as structural, functional, and spatial information, amino acid conservation, physicochemical variation, residue mobility, and thermodynamic stability) has been performed for this missense variant. However, the output from this modeling did not meet the statistical confidence thresholds required to predict the impact of this variant on BRCA2 protein function. In summary, the available evidence is currently insufficient to determine the role of this variant in disease. Therefore, it has been classified as a Variant of Uncertain Significance.

NM_000059.4(BRCA2):c.8279G>T (p.Gly2760Val)

Gene: BRCA2 (BRCA2 DNA repair associated; plus strand). Cytogenetic location: 13q13.1.
Variant type: single nucleotide variant.
Coding change: c.8279G>T on transcript NM_000059.4 (MANE Select); coding-DNA position 8279, G replaced by T.
Protein change: p.Gly2760Val; replaces glycine 2760 with valine.
Molecular consequence: missense variant. On other transcripts: non-coding transcript variant (1).
Genome position (GRCh38, 1-based): chr13:32,363,481, G>T. VCF-style: chr13-32363481-G-T. GRCh37 (hg19) VCF-style: chr13-32937618-G-T.
Other names: c.8183G>T, p.Gly2728Val (NM_001406719.1); c.8279G>T, p.Gly2760Val (NM_001406720.1, NM_001432077.1); c.3347G>T, p.Gly1116Val (NM_001406721.1); c.1862G>T, p.Gly621Val (NM_001406722.1); short protein forms G1116V, G621V, G2728V, G2760V.
Identifiers: ClinVar variation 3636535 (VCV003636535.2).